The following is an entry in ClinVar:

ClinVar aggregate classification (germline): Uncertain significance. Review status: criteria provided, multiple submitters, no conflicts (2 of 4 stars). 3 submissions from 3 submitters: Uncertain significance (3). Last evaluated 2025-12-07.

Conditions:
Hereditary cancer-predisposing syndrome. Also called: Hereditary Cancer Syndrome; Neoplastic Syndromes, Hereditary; Tumor predisposition; Hereditary neoplastic syndrome. Identifiers: Orphanet 140162, MedGen C0027672, MeSH D009386, MONDO:0015356.
Familial cancer of breast. Also called: BREAST CANCER, FAMILIAL; Hereditary breast cancer; hereditary breast carcinoma. Identifiers: Orphanet 227535, MedGen C0346153, MONDO:0016419, OMIM 114480. Disease mechanism: loss of function.

Submissions (3):

Ambry Genetics
Classification: Uncertain significance for Hereditary cancer-predisposing syndrome. Last evaluated: 2025-12-07. Review status: criteria provided, single submitter. Criteria: Ambry Variant Classification Scheme 2023. Collection method: clinical testing. Allele origin: germline.
Comment: The p.T513K variant (also known as c.1538C>A), located in coding exon 4 of the PALB2 gene, results from a C to A substitution at nucleotide position 1538. The threonine at codon 513 is replaced by lysine, an amino acid with similar properties. This amino acid position is poorly conserved in available vertebrate species. In addition, this alteration is predicted to be tolerated by in silico analysis. Since supporting evidence is limited at this time, the clinical significance of this alteration remains unclear.

MGZ Medical Genetics Center
Classification: Uncertain significance for Familial cancer of breast. Last evaluated: 2021-12-17. Review status: criteria provided, single submitter. Criteria: ACMG Guidelines, 2015. Collection method: clinical testing. Allele origin: germline. Affected: yes. Observed: 1 variant allele.
Comment: ACMG criteria applied: PM2_SUP, BP4

Color Diagnostics, LLC DBA Color Health
Classification: Uncertain significance for Hereditary cancer-predisposing syndrome. Last evaluated: 2018-12-20. Review status: criteria provided, single submitter. Criteria: ACMG Guidelines, 2015. Collection method: clinical testing. Allele origin: germline.

NM_024675.4(PALB2):c.1538C>A (p.Thr513Lys)

Gene: PALB2 (partner and localizer of BRCA2; minus strand). Cytogenetic location: 16p12.2.
Variant type: single nucleotide variant.
Coding change: c.1538C>A on transcript NM_024675.4 (MANE Select); coding-DNA position 1538, C replaced by A.
Protein change: p.Thr513Lys; replaces threonine 513 with lysine.
Molecular consequence: missense variant.
Genome position (GRCh38, 1-based): chr16:23,635,008, G>T on the plus strand (C>A on the coding strand, the complement: PALB2 is on the minus strand). VCF-style: chr16-23635008-G-T. GRCh37 (hg19) VCF-style: chr16-23646329-G-T.
Other names: short protein forms T513K.
Identifiers: ClinVar variation 480283 (VCV000480283.11), dbSNP rs778890869, ClinGen allele CA395130897.